The following is an entry in ClinVar:

ClinVar aggregate classification (germline): Uncertain significance (1 of 4 stars; one submission).

gnomAD v4.1: 1 of 1,533,970 alleles (0.000065%); highest among the groups gnomAD compares: South Asian, 0.0012%; no homozygotes.

Submission:

CeGaT Center for Human Genetics Tuebingen
Classification: Uncertain significance. Last evaluated: 2025-07-01. Review status: criteria provided, single submitter. Criteria: CeGaT Center For Human Genetics Tuebingen Variant Classification Criteria Version 2. Collection method: clinical testing. Allele origin: germline. Affected: yes. Observed: 1 variant allele.
Comment: DNA2: PM2, BP4

NM_001080449.3(DNA2):c.1984-7T>C

Gene: DNA2 (DNA replication helicase/nuclease 2; minus strand). Cytogenetic location: 10q21.3.
Variant type: single nucleotide variant.
Coding change: c.1984-7T>C on transcript NM_001080449.3 (MANE Select); 7 bases into the intron before coding-DNA position 1984, T replaced by C.
Molecular consequence: intron variant.
Genome position (GRCh38, 1-based): chr10:68,430,667, A>G on the plus strand (T>C on the coding strand, the complement: DNA2 is on the minus strand). VCF-style: chr10-68430667-A-G. GRCh37 (hg19) VCF-style: chr10-70190424-A-G.
Identifiers: ClinVar variation 4085498 (VCV004085498.8).